The following is an entry in ClinVar:

ClinVar aggregate classification (germline): Likely pathogenic (1 of 4 stars; one submission).

Conditions:
Hereditary spherocytosis type 3. Also called: Spherocytosis type 3; SPTA1-Related Spherocytosis. Identifiers: Orphanet 822, MedGen C2678338, MONDO:0010053, OMIM 270970.

Submission:

3billion
Classification: Likely pathogenic for Hereditary spherocytosis type 3. Last evaluated: 2024-01-26. Review status: criteria provided, single submitter. Criteria: ACMG Guidelines, 2015. Collection method: clinical testing. Allele origin: germline. Affected: yes.
Comment: The variant is not observed in the gnomAD v2.1.1 dataset. Predicted Consequence/Location: Canonical splice site: predicted to alter splicing and result in a loss or disruption of normal protein function. Multiple pathogenic loss-of-function variants are reported downstream of the variant. In silico tools predict the variant to alter splicing and produce an abnormal transcript [Splice AI: 0.85 (spliceogenicity >=0.2, non-spliceogenicity <0.1)]. Therefore, this variant is classified as Likely pathogenic according to the recommendation of ACMG/AMP guideline.

NM_003126.4(SPTA1):c.1112+2T>C

Gene: SPTA1 (spectrin alpha, erythrocytic 1; minus strand). Cytogenetic location: 1q23.1.
Variant type: single nucleotide variant.
Coding change: c.1112+2T>C on transcript NM_003126.4 (MANE Select); the canonical splice donor site of the intron after coding-DNA position 1112, T replaced by C.
Molecular consequence: splice donor variant.
Genome position (GRCh38, 1-based): chr1:158,676,139, A>G on the plus strand (T>C on the coding strand, the complement: SPTA1 is on the minus strand). VCF-style: chr1-158676139-A-G. GRCh37 (hg19) VCF-style: chr1-158645929-A-G.
Identifiers: ClinVar variation 3776254 (VCV003776254.1).